The following is an entry in ClinVar:

NM_001040108.2(MLH3):c.3028G>A (p.Glu1010Lys)

Gene: MLH3 (mutL homolog 3; minus strand). Cytogenetic location: 14q24.3.
Variant type: single nucleotide variant.
Coding change: c.3028G>A on transcript NM_001040108.2 (MANE Select); coding-DNA position 3028, G replaced by A.
Protein change: p.Glu1010Lys; replaces glutamic acid 1010 with lysine.
Molecular consequence: missense variant.
Genome position (GRCh38, 1-based): chr14:75,046,628, C>T on the plus strand (G>A on the coding strand, the complement: MLH3 is on the minus strand). VCF-style: chr14-75046628-C-T. GRCh37 (hg19) VCF-style: chr14-75513331-C-T.
Other names: c.3028G>A, p.Glu1010Lys (NM_014381.3); short protein forms E1010K.
Identifiers: ClinVar variation 3295125 (VCV003295125.1).

ClinVar aggregate classification (germline): Uncertain significance (1 of 4 stars; one submission).

Submission:

Ambry Genetics
Classification: Uncertain significance. Last evaluated: 2024-04-27. Review status: criteria provided, single submitter. Criteria: Ambry Variant Classification Scheme 2023. Collection method: clinical testing. Allele origin: germline.
Comment: The p.E1010K variant (also known as c.3028G>A), located in coding exon 1 of the MLH3 gene, results from a G to A substitution at nucleotide position 3028. The glutamic acid at codon 1010 is replaced by lysine, an amino acid with similar properties. This amino acid position is conserved. In addition, the in silico prediction for this alteration is inconclusive. Based on the available evidence, the clinical significance of this variant remains unclear.